The following is an entry in ClinVar:

ClinVar aggregate classification (germline): Uncertain significance (1 of 4 stars; one submission).

gnomAD v4.1: 2 of 1,614,160 alleles (0.00012%); highest among the groups gnomAD compares: South Asian, 0.0022%; no homozygotes.

Submission:

Ambry Genetics
Classification: Uncertain significance. Last evaluated: 2025-02-02. Review status: criteria provided, single submitter. Criteria: Ambry Variant Classification Scheme 2023. Collection method: clinical testing. Allele origin: germline.
Comment: The p.S801C variant (also known as c.2402C>G), located in coding exon 1 of the MLH3 gene, results from a C to G substitution at nucleotide position 2402. The serine at codon 801 is replaced by cysteine, an amino acid with dissimilar properties. This amino acid position is conserved. In addition, this alteration is predicted to be tolerated by in silico analysis. Based on the available evidence, the clinical significance of this variant remains unclear.

NM_001040108.2(MLH3):c.2402C>G (p.Ser801Cys)

Gene: MLH3 (mutL homolog 3; minus strand). Cytogenetic location: 14q24.3.
Variant type: single nucleotide variant.
Coding change: c.2402C>G on transcript NM_001040108.2 (MANE Select); coding-DNA position 2402, C replaced by G.
Protein change: p.Ser801Cys; replaces serine 801 with cysteine.
Molecular consequence: missense variant.
Genome position (GRCh38, 1-based): chr14:75,047,254, G>C on the plus strand (C>G on the coding strand, the complement: MLH3 is on the minus strand). VCF-style: chr14-75047254-G-C. GRCh37 (hg19) VCF-style: chr14-75513957-G-C.
Other names: c.2402C>G, p.Ser801Cys (NM_014381.3); short protein forms S801C.
Identifiers: ClinVar variation 3873511 (VCV003873511.1).